The following is an entry in ClinVar:

NM_001710.6(CFB):c.1106C>T (p.Pro369Leu)

Gene: CFB (complement factor B; plus strand). Cytogenetic location: 6p21.33.
Variant type: single nucleotide variant.
Coding change: c.1106C>T on transcript NM_001710.6 (MANE Select); coding-DNA position 1106, C replaced by T.
Protein change: p.Pro369Leu; replaces proline 369 with leucine.
Molecular consequence: missense variant.
Genome position (GRCh38, 1-based): chr6:31,948,899, C>T. VCF-style: chr6-31948899-C-T. GRCh37 (hg19) VCF-style: chr6-31916676-C-T.
Other names: short protein forms P369L.
Identifiers: ClinVar variation 1531488 (VCV001531488.9), dbSNP rs200890358, ClinGen allele CA3728230.
Genomic context (GRCh38, chr6:31,948,899, plus strand): 5'-TGAAGTCAGGGACTAACACCAAGAAGGCCCTCCAGGCAGTGTACAGCATGATGAGCTGGC[C>T]AGATGACGTCCCTCCTGAAGGCTGGAACCGCACCCGCCATGTCATCATCCTCATGACTGA-3'
Protein context (NP_001701.2, residues 359-379): LQAVYSMMSW[Pro369Leu]DDVPPEGWNR

ClinVar aggregate classification (germline): Likely benign. Review status: criteria provided, multiple submitters, no conflicts (2 of 4 stars). 2 submissions from 2 submitters: Likely benign (2). Last evaluated 2026-01-06.

Conditions:
Atypical hemolytic-uremic syndrome. Identifiers: Orphanet 2134, MedGen C2931788, MONDO:0016244.

Allele frequency attached by ClinVar (database versions not stated): gnomAD 0.00001 and 0.00015; gnomAD exomes 0.00039; ExAC 0.00049; 1000 Genomes Project 30x 0.00078; 1000 Genomes Project 0.00100.
gnomAD v4.1: 323 of 1,612,858 alleles (0.02%); highest among the groups gnomAD compares: South Asian, 0.31%; 3 homozygotes.

Submissions (2):

Labcorp Genetics (formerly Invitae), Labcorp
Classification: Likely benign. Last evaluated: 2026-01-06. Review status: criteria provided, single submitter. Criteria: Invitae Variant Classification Sherloc (09022015). Collection method: clinical testing. Allele origin: germline.

Genomenon, Inc
Classification: Likely benign for Atypical hemolytic-uremic syndrome. Last evaluated: 2025-09-26. Review status: criteria provided, single submitter. Criteria: Genomenon Sequence Variant Interpretation Standards - Updated. Collection method: curation. Allele origin: germline. Affected: yes.
Comment: CFB p.Pro369Leu (c.1106C>T) is a missense variant that changes the amino acid at residue 369 from Proline to Leucine. This variant has been observed in at least one proband affected with atypical hemolytic-uremic syndrome (PMID:24652797). Functional studies have been reported; however, the significance of the findings remain unclear (PMID:24652797). In silico models agree that this variant is not damaging. This variant’s allele frequency in gnomAD is greater than expected for this disorder. In conclusion, we classify CFB p.Pro369Leu (c.1106C>T) as a likely benign variant.

Literature cited by the submitters: PubMed 24652797 (cited by Genomenon, Inc).